The following is an entry in ClinVar:

NM_001448.3(GPC4):c.1516C>T (p.Gln506Ter)

Gene: GPC4 (glypican 4; minus strand). Cytogenetic location: Xq26.2.
Variant type: single nucleotide variant.
Coding change: c.1516C>T on transcript NM_001448.3 (MANE Select); coding-DNA position 1516, C replaced by T.
Protein change: p.Gln506Ter; replaces glutamine 506 with a stop codon.
Molecular consequence: nonsense.
Genome position (GRCh38, 1-based): chrX:133,303,022, G>A on the plus strand (C>T on the coding strand, the complement: GPC4 is on the minus strand). VCF-style: chrX-133303022-G-A. GRCh37 (hg19) VCF-style: chrX-132437050-G-A.
Other names: short protein forms Q506*.
Identifiers: ClinVar variation 547175 (VCV000547175.5), dbSNP rs1556022641, ClinGen allele CA414690934.

ClinVar aggregate classification (germline): Pathogenic. Review status: criteria provided, multiple submitters, no conflicts (2 of 4 stars). 4 submissions from 4 submitters: Pathogenic (2). 2 of the submissions do not count toward it. Last evaluated 2025-11-17.

Conditions:
Keipert syndrome (KPTS). Identifiers: Orphanet 2662, MedGen C1850627, MONDO:0009720, OMIM 301026.

Submissions (4):

Clinical Genetics Laboratory, University Hospital Schleswig-Holstein
Classification: Pathogenic for Keipert syndrome. Last evaluated: 2025-11-17. Review status: criteria provided, single submitter. Criteria: ACMG Guidelines, 2015. Collection method: clinical testing. Allele origin: germline. Affected: yes. Observed: 2 hemizygotes.
Comment: ACMG criteria applied: PM2, PS4_Moderate, PVS1_Moderate, PS3_Moderate, PP1_Moderate

SIB Swiss Institute of Bioinformatics
Classification: Pathogenic for Keipert syndrome. Last evaluated: 2019-10-02. Review status: criteria provided, single submitter. Criteria: ACMG Guidelines, 2015. Collection method: curation. Allele origin: unknown.
Comment: This variant is interpreted as a Pathogenic for Keipert syndrome, X-linked recessive. The following ACMG Tag(s) were applied: PM2, PS3-Moderate, PP1-Moderate, PVS1-Strong.

OMIM
Classification: Pathogenic for KEIPERT SYNDROME. Last evaluated: 2019-06-14. Review status: no assertion criteria provided. Collection method: literature only. Allele origin: germline. Not counted in ClinVar's aggregate classification.

Neurogenetics Research; Murdoch Childrens Research Institute
Classification: Pathogenic for Keipert syndrome. Last evaluated: 2018-02-01. Review status: no assertion criteria provided. Collection method: research. Allele origin: maternal. Affected: yes. Not counted in ClinVar's aggregate classification.
Comment: Pathogenic variants in GPC4 cause Keipert syndrome (nasodigitoacoustic syndrome)

Literature cited by the submitters: PubMed 30982611 (cited by SIB Swiss Institute of Bioinformatics and OMIM); PubMed 4708024 (cited by OMIM).